The following is an entry in ClinVar:

NM_001793.6(CDH3):c.868-2A>T

Gene: CDH3 (cadherin 3; plus strand). Cytogenetic location: 16q22.1.
Variant type: single nucleotide variant.
Coding change: c.868-2A>T on transcript NM_001793.6 (MANE Select); the canonical splice acceptor site of the intron before coding-DNA position 868, A replaced by T.
Molecular consequence: splice acceptor variant.
Genome position (GRCh38, 1-based): chr16:68,680,966, A>T. VCF-style: chr16-68680966-A-T. GRCh37 (hg19) VCF-style: chr16-68714869-A-T.
Other names: c.703-2A>T (NM_001317196.2); c.868-2A>T (NM_001317195.3).
Identifiers: ClinVar variation 1466019 (VCV001466019.8), dbSNP rs1242228226, ClinGen allele CA396451486.
Genomic context (GRCh38, chr16:68,680,966, plus strand): 5'-GGTCAGGGGAGGGACCCTTCAGATTAAACTCACAATGGGCTTCCCCTCTCCTTTCTCCCC[A>T]GAAAGTCCCTGAGTACACACTGACCATCCAGGCCACAGACATGGATGGGGACGGCTCCAC-3'

ClinVar aggregate classification (germline): Likely pathogenic (1 of 4 stars; one submission).

Allele frequency attached by ClinVar (database versions not stated): gnomAD exomes below 0.00001 and 0.00001.
gnomAD v4.1: 3 of 1,614,090 alleles (0.00019%); highest among the groups gnomAD compares: Non-Finnish European, 0.00025%; no homozygotes.

Submission:

Labcorp Genetics (formerly Invitae), Labcorp
Classification: Likely pathogenic. Last evaluated: 2020-11-18. Review status: criteria provided, single submitter. Criteria: Invitae Variant Classification Sherloc (09022015). Collection method: clinical testing. Allele origin: germline.
Comment: This sequence change affects an acceptor splice site in intron 7 of the CDH3 gene. It is expected to disrupt RNA splicing. Variants that disrupt the donor or acceptor splice site typically lead to a loss of protein function (PMID: 16199547), and loss-of-function variants in CDH3 are known to be pathogenic (PMID: 27386845). This variant is not present in population databases (ExAC no frequency). This variant has not been reported in the literature in individuals with CDH3-related conditions. In summary, the currently available evidence indicates that the variant is pathogenic, but additional data are needed to prove that conclusively. Therefore, this variant has been classified as Likely Pathogenic.

Literature cited by the submitters: PubMed 16199547; PubMed 27386845.